The following is an entry in ClinVar:

ClinVar aggregate classification (germline): Uncertain significance. Review status: criteria provided, single submitter (1 of 4 stars). 2 submissions from 2 submitters: Uncertain significance (1). 1 of the submissions does not count toward it. Last evaluated 2025-12-08.

Conditions:
Schimke immuno-osseous dysplasia (SIOD). Also called: Schimke Immunoosseous Dysplasia. Identifiers: Orphanet 1830, MedGen C0877024, MONDO:0009458, OMIM 242900.

Allele frequency attached by ClinVar (database versions not stated): gnomAD exomes 0.00004 and 0.00011; ExAC 0.00005; gnomAD 0.00006; TOPMed 0.00008.
gnomAD v4.1: 162 of 1,614,118 alleles (0.01%); highest among the groups gnomAD compares: Non-Finnish European, 0.013%; no homozygotes.

Submissions (2):

Labcorp Genetics (formerly Invitae), Labcorp
Classification: Uncertain significance for Schimke immuno-osseous dysplasia. Last evaluated: 2025-12-08. Review status: criteria provided, single submitter. Criteria: Invitae Variant Classification Sherloc (09022015). Collection method: clinical testing. Allele origin: germline.
Comment: This sequence change replaces phenylalanine, which is neutral and non-polar, with leucine, which is neutral and non-polar, at codon 439 of the SMARCAL1 protein (p.Phe439Leu). This variant is present in population databases (rs771757954, gnomAD 0.009%). This variant has not been reported in the literature in individuals affected with SMARCAL1-related conditions. ClinVar contains an entry for this variant (Variation ID: 567941). Invitae Evidence Modeling of protein sequence and biophysical properties (such as structural, functional, and spatial information, amino acid conservation, physicochemical variation, residue mobility, and thermodynamic stability) indicates that this missense variant is expected to disrupt SMARCAL1 protein function with a positive predictive value of 80%. In summary, the available evidence is currently insufficient to determine the role of this variant in disease. Therefore, it has been classified as a Variant of Uncertain Significance.

Natera, Inc.
Classification: Uncertain significance for Schimke immuno-osseous dysplasia. Last evaluated: 2020-03-13. Review status: no assertion criteria provided. Collection method: clinical testing. Allele origin: germline. Not counted in ClinVar's aggregate classification.

NM_014140.4(SMARCAL1):c.1317T>G (p.Phe439Leu)

Gene: SMARCAL1 (SNF2 related chromatin remodeling annealing helicase 1; plus strand). Cytogenetic location: 2q35.
Variant type: single nucleotide variant.
Coding change: c.1317T>G on transcript NM_014140.4 (MANE Select); coding-DNA position 1317, T replaced by G.
Protein change: p.Phe439Leu; replaces phenylalanine 439 with leucine.
Molecular consequence: missense variant.
Genome position (GRCh38, 1-based): chr2:216,428,765, T>G. VCF-style: chr2-216428765-T-G. GRCh37 (hg19) VCF-style: chr2-217293488-T-G.
Other names: c.1317T>G, p.Phe439Leu (NM_001127207.2); short protein forms F439L.
Identifiers: ClinVar variation 567941 (VCV000567941.8), dbSNP rs771757954, ClinGen allele CA2097830.
Genomic context (GRCh38, chr2:216,428,765, plus strand): 5'-TGTCCCAGAGGCAGACCTTTCTGAAGTGGACCCCAAGCTCGTGTCTAATCTGATGCCCTT[T>G]CAGAGAGCTGGAGTCAAGTAGGTTCTTGATCTTCCTCTCTCTTCCTCTGTTGCTCAAATT-3'
Protein context (NP_054859.2, residues 429-449): DPKLVSNLMP[Phe439Leu]QRAGVNFAIA